The following is an entry in ClinVar:

ClinVar aggregate classification (germline): Uncertain significance (1 of 4 stars; one submission).

Allele frequency attached by ClinVar (database versions not stated): ExAC 0.00002; gnomAD exomes 0.00003; gnomAD 0.00004; ESP Exome Variant Server 0.00008; TOPMed 0.00010.
gnomAD v4.1: 51 of 1,614,042 alleles (0.0032%); highest among the groups gnomAD compares: Admixed American, 0.01%; 1 homozygote.

Submission:

Labcorp Genetics (formerly Invitae), Labcorp
Classification: Uncertain significance. Last evaluated: 2022-06-26. Review status: criteria provided, single submitter. Criteria: Invitae Variant Classification Sherloc (09022015). Collection method: clinical testing. Allele origin: germline.
Comment: This sequence change replaces threonine, which is neutral and polar, with isoleucine, which is neutral and non-polar, at codon 725 of the FNIP1 protein (p.Thr725Ile). This variant is present in population databases (rs146338247, gnomAD 0.008%). This variant has not been reported in the literature in individuals affected with FNIP1-related conditions. Algorithms developed to predict the effect of missense changes on protein structure and function are either unavailable or do not agree on the potential impact of this missense change (SIFT: "Tolerated"; PolyPhen-2: "Possibly Damaging"; Align-GVGD: "Class C0"). In summary, the available evidence is currently insufficient to determine the role of this variant in disease. Therefore, it has been classified as a Variant of Uncertain Significance.

NM_133372.3(FNIP1):c.2174C>T (p.Thr725Ile)

Gene: FNIP1 (folliculin interacting protein 1; minus strand). Cytogenetic location: 5q31.1.
Variant type: single nucleotide variant.
Coding change: c.2174C>T on transcript NM_133372.3 (MANE Select); coding-DNA position 2174, C replaced by T.
Protein change: p.Thr725Ile; replaces threonine 725 with isoleucine.
Molecular consequence: missense variant.
Genome position (GRCh38, 1-based): chr5:131,672,270, G>A on the plus strand (C>T on the coding strand, the complement: FNIP1 is on the minus strand). VCF-style: chr5-131672270-G-A. GRCh37 (hg19) VCF-style: chr5-131007963-G-A.
Other names: c.2090C>T, p.Thr697Ile (NM_001008738.3); c.2039C>T, p.Thr680Ile (NM_001346114.2); short protein forms T725I, T680I, T697I.
Identifiers: ClinVar variation 2055518 (VCV002055518.1), dbSNP rs146338247, ClinGen allele CA3400557.